The following is an entry in ClinVar:

ClinVar aggregate classification (germline): Pathogenic. Review status: criteria provided, multiple submitters, no conflicts (2 of 4 stars). 3 submissions from 3 submitters: Pathogenic (3). Last evaluated 2024-05-20.

Conditions:
Retinoblastoma (RB1). Also called: RETINOBLASTOMA, SOMATIC. Identifiers: Orphanet 790, MedGen C0035335, MeSH D012175, MONDO:0008380, OMIM 180200, HP:0009919. Disease mechanism: loss of function. Inheritance: Both sporadic and heritable forms are tested..
Hereditary cancer-predisposing syndrome. Also called: Tumor predisposition; Neoplastic Syndromes, Hereditary; Hereditary Cancer Syndrome; Hereditary neoplastic syndrome. Identifiers: Orphanet 140162, MedGen C0027672, MeSH D009386, MONDO:0015356.

Submissions (4):

Genetic Diagnostic Laboratory, University of Pennsylvania School of Medicine
Classification: Pathogenic for Retinoblastoma. Last evaluated: 2024-05-20. Review status: criteria provided, single submitter. Criteria: ACMG Guidelines, 2015. Collection method: clinical testing. Allele origin: germline. Affected: yes. Observed: 2 variant alleles.
Comment: Case and Pedigree Information: BILATERAL CASES:2, UNILATERAL CASES:0, TOTAL CASES:2, PEDIGREES:2. ACMG Codes Applied:PVS1, PM2

Ambry Genetics
Classification: Pathogenic for Hereditary cancer-predisposing syndrome. Last evaluated: 2024-04-15. Review status: criteria provided, single submitter. Criteria: Ambry Variant Classification Scheme 2023. Collection method: clinical testing. Allele origin: germline.
Comment: The c.2211+1G>A intronic pathogenic mutation results from a G to A substitution one nucleotide after coding exon 21 of the RB1 gene. Alterations that disrupt the canonical splice site are expected to result in aberrant splicing. In silico splice site analysis predicts that this alteration will weaken the native splice donor site and will result in the creation or strengthening of a novel splice donor site. The resulting transcript is predicted to be in-frame and is not expected to trigger nonsense-mediated mRNAdecay; however, direct evidence is unavailable. The exact functional effect of the altered amino acid sequence is unknown; however, the impacted region is critical for protein function (Ambry internal data). This variant has been observed in at multiple individuals with a personal and/or family history that is consistent with RB1-related hereditary retinoblastoma (Jakubowska A et al. Hum Mutat, 2001 Nov;18:459; Nguyen HH et al. Mol Vis, 2018 Mar;24:231-238; Ambry internal data). This variant is considered to be rare based on population cohorts in the Genome Aggregation Database (gnomAD). This nucleotide position is highly conserved in available vertebrate species. Based on the supporting evidence, this variant is interpreted as a disease-causing mutation.

Labcorp Genetics (formerly Invitae), Labcorp
Classification: Pathogenic for Retinoblastoma. Last evaluated: 2024-04-11. Review status: criteria provided, single submitter. Criteria: Invitae Variant Classification Sherloc (09022015). Collection method: clinical testing. Allele origin: germline.
Comment: This sequence change affects a donor splice site in intron 21 of the RB1 gene. It is expected to disrupt RNA splicing. Variants that disrupt the donor or acceptor splice site typically lead to a loss of protein function (PMID: 16199547), and loss-of-function variants in RB1 are known to be pathogenic (PMID: 17096365). This variant is not present in population databases (gnomAD no frequency). Disruption of this splice site has been observed in individual(s) with bilateral retinoblastoma (PMID: 11668642, 12402348, 14722923). This variant is also known as IVS21+1G>A. ClinVar contains an entry for this variant (Variation ID: 1453503). Algorithms developed to predict the effect of sequence changes on RNA splicing suggest that this variant may disrupt the consensus splice site. For these reasons, this variant has been classified as Pathogenic.

Dr. Peter K. Rogan Lab, Western University
No classification provided (evidence only). Condition: Sarcoma. Review status: no classification provided. Collection method: in vitro. Allele origin: not applicable. Functional consequence: skipped exon. Not counted in ClinVar's aggregate classification.

Literature cited by the submitters: PubMed 11668642 (cited by Ambry Genetics and Labcorp Genetics (formerly Invitae), Labcorp); PubMed 29568217 (cited by Ambry Genetics); PubMed 16199547 (cited by Labcorp Genetics (formerly Invitae), Labcorp); PubMed 17096365 (cited by Labcorp Genetics (formerly Invitae), Labcorp); PubMed 12402348 (cited by Labcorp Genetics (formerly Invitae), Labcorp); PubMed 14722923 (cited by Labcorp Genetics (formerly Invitae), Labcorp).

NM_000321.3(RB1):c.2211+1G>A

Gene: RB1 (RB transcriptional corepressor 1; plus strand). Cytogenetic location: 13q14.2.
Variant type: single nucleotide variant.
Coding change: c.2211+1G>A on transcript NM_000321.3 (MANE Select); the canonical splice donor site of the intron after coding-DNA position 2211, G replaced by A.
Molecular consequence: splice donor variant.
Genome position (GRCh38, 1-based): chr13:48,463,836, G>A. VCF-style: chr13-48463836-G-A. GRCh37 (hg19) VCF-style: chr13-49037972-G-A.
Other names: c.2211+1G>A (NM_001407165.1, NM_000321.2).
Identifiers: ClinVar variation 1453503 (VCV001453503.9), dbSNP rs1949420231, ClinGen allele CA388167240.